The following is an entry in ClinVar:

NM_000540.3(RYR1):c.11053G>A (p.Glu3685Lys)

Gene: RYR1 (ryanodine receptor 1; plus strand). Cytogenetic location: 19q13.2.
Variant type: single nucleotide variant.
Coding change: c.11053G>A on transcript NM_000540.3 (MANE Select); coding-DNA position 11053, G replaced by A.
Protein change: p.Glu3685Lys; replaces glutamic acid 3685 with lysine.
Molecular consequence: missense variant.
Genome position (GRCh38, 1-based): chr19:38,528,969, G>A. VCF-style: chr19-38528969-G-A. GRCh37 (hg19) VCF-style: chr19-39019609-G-A.
Other names: c.11038G>A, p.Glu3680Lys (NM_001042723.2); short protein forms E3680K, E3685K.
Identifiers: ClinVar variation 3069714 (VCV003069714.3), dbSNP rs745315302, ClinGen allele CA405649976.

ClinVar aggregate classification (germline): Uncertain significance. Review status: criteria provided, multiple submitters, no conflicts (2 of 4 stars). 3 submissions from 3 submitters: Uncertain significance (3). Last evaluated 2025-11-03.

Conditions:
RYR1-related disorder. Also called: RYR1-related condition; RYR1-related disorders. Identifiers: MedGen CN239331.
Malignant hyperthermia, susceptibility to, 1 (MHS1). Also called: RYR1-Related Malignant Hyperthermia Susceptibility; Anesthesia related hyperthermia; Malignant hyperpyrexia; Fulminating hyperpyrexia; Pharmacogenic myopathy; Malignant hyperthermia suceptibility 1. Identifiers: Orphanet 423, MedGen C2930980, MONDO:0007783, OMIM 145600.

gnomAD v4.1: 2 of 1,610,798 alleles (0.00012%); highest among the groups gnomAD compares: African/African-American, 0.0013%; no homozygotes.

Submissions (3):

Labcorp Genetics (formerly Invitae), Labcorp
Classification: Uncertain significance for RYR1-related disorder. Last evaluated: 2025-11-03. Review status: criteria provided, single submitter. Criteria: Invitae Variant Classification Sherloc (09022015). Collection method: clinical testing. Allele origin: germline.
Comment: This sequence change replaces glutamic acid, which is acidic and polar, with lysine, which is basic and polar, at codon 3685 of the RYR1 protein (p.Glu3685Lys). This variant is present in population databases (no rsID available, gnomAD 0.003%). This variant has not been reported in the literature in individuals affected with RYR1-related conditions. ClinVar contains an entry for this variant (Variation ID: 3069714). Invitae Evidence Modeling of protein sequence and biophysical properties (such as structural, functional, and spatial information, amino acid conservation, physicochemical variation, residue mobility, and thermodynamic stability) indicates that this missense variant is not expected to disrupt RYR1 protein function with a negative predictive value of 80%. In summary, the available evidence is currently insufficient to determine the role of this variant in disease. Therefore, it has been classified as a Variant of Uncertain Significance.

GeneDx
Classification: Uncertain significance. Last evaluated: 2025-08-14. Review status: criteria provided, single submitter. Criteria: GeneDx Variant Classification Process June 2021. Collection method: clinical testing. Allele origin: germline. Affected: yes.
Comment: Not observed at significant frequency in large population cohorts (gnomAD); In silico analysis suggests that this missense variant does not alter protein structure/function; Has not been previously published as pathogenic or benign to our knowledge

All of Us Research Program, National Institutes of Health
Classification: Uncertain significance for Malignant hyperthermia, susceptibility to, 1. Last evaluated: 2023-02-24. Review status: criteria provided, single submitter. Criteria: ACMG Guidelines, 2015. Collection method: clinical testing. Allele origin: germline. Inheritance: Autosomal dominant inheritance. Observed: 1 variant allele, 1 heterozygote.
Comment: This missense variant replaces glutamic acid with lysine at codon 3685 of the RYR1 protein. Computational prediction suggests that this variant may not impact protein structure and function (internally defined REVEL score threshold <= 0.5, PMID: 27666373). To our knowledge, functional studies have not been reported for this variant. This variant has not been reported in individuals affected with RYR1-related disorders in the literature. This variant has been identified in 1/241796 chromosomes in the general population by the Genome Aggregation Database (gnomAD). The available evidence is insufficient to determine the role of this variant in disease conclusively. Therefore, this variant is classified as a Variant of Uncertain Significance.

This study involves interpretation of variants in research participants for the purpose of population health screening. Participant phenotype was not available at the time of variant classification. Additional details can be found in publication PMID: 35346344, PMCID: PMC8962531